The following is an entry in ClinVar:

NM_002730.3(PRKACA):c.617T>G (p.Leu206Arg)

Gene: PRKACA (protein kinase cAMP-activated catalytic subunit alpha; minus strand). Cytogenetic location: 19p13.12.
Variant type: single nucleotide variant.
Coding change: c.617T>G on transcript NM_002730.3; coding-DNA position 617, T replaced by G.
Protein change: p.Leu206Arg; replaces leucine 206 with arginine.
Molecular consequence: missense variant (on NM_002730.4).
Genome position (GRCh38, 1-based): chr19:14,097,604, A>C on the plus strand (T>G on the coding strand, the complement: PRKACA is on the minus strand). VCF-style: chr19-14097604-A-C. GRCh37 (hg19) VCF-style: chr19-14208416-A-C.
Other names: c.845T>G, p.Leu282Arg (NM_001304349.2); c.617T>G, p.Leu206Arg (NM_002730.4); c.593T>G, p.Leu198Arg (NM_207518.3); short protein forms L206R, L198R, L282R.
Identifiers: ClinVar variation 91945 (VCV000091945.6), dbSNP rs386352352, ClinGen allele CA215006.

ClinVar aggregate classification (germline): Pathogenic/Likely pathogenic. Review status: no assertion criteria provided (0 of 4 stars). 3 submissions from 3 submitters: Pathogenic (2); Likely pathogenic (1). Last evaluated 2014-06-01.
ClinVar aggregate classification (somatic clinical impact): Tier I - Strong (1 of 4 stars; one submission).

Conditions:
Pigmented nodular adrenocortical disease, primary, 4 (PPNAD4). Also called: CUSHING SYNDROME, ADRENAL, DUE TO PPNAD4; CHROMOSOME 19p13 DUPLICATION SYNDROME. Identifiers: Orphanet 189439, MedGen C4014425, MONDO:0014359, OMIM 615830.
ACTH-independent adrenal Cushing syndrome, somatic. Identifiers: MedGen CN322664, MONDO:0800377.
Adrenal cortex neoplasm. Also called: Neoplasm of the adrenal cortex; ADRENAL CORTICAL NEOPLASM. Identifiers: MedGen C0001618, MONDO:0036591, HP:0100641.

Submissions (4):

Institute for Genomic Medicine (IGM) Clinical Laboratory, Nationwide Children's Hospital
Classification: Tier I - Strong for Adrenal cortex neoplasm. Assertion type: diagnostic. Clinical significance: supports diagnosis. Last evaluated: 2024-12-26. Review status: criteria provided, single submitter. Criteria: AMP/ASCO/CAP Guidelines, 2017. Collection method: clinical testing. Allele origin: somatic. Affected: yes.
Comment: Variant has Tier I (strong) clinical significance as a diagnostic inclusion criterion in adrenal cortex neoplasm, based on the following evidence: 1) Documented in one or more cancer databases (e.g., St. Jude Pecan, COSMIC, CIViC, OncoKB). 2) Appears in one or more well-established professional guidelines (e.g., World Health Organization [WHO]; National Comprehensive Cancer Network [NCCN]) as providing diagnostic, prognostic, or therapeutic information. 3) Information in the literature supports potential biologic effect of variant (PMIDs: 24855271, 24700472, 24747643, 24571724). 4) Diagnostic for a specific tumor type/classification based on well-powered studies with expert-level consensus (Evidence Level B; PMIDs: 27165862, 25069672, 24855271, 24700472, 24747643, 24571724).

OMIM
Classification: Pathogenic for CUSHING SYNDROME, ACTH-INDEPENDENT ADRENAL, SOMATIC. Last evaluated: 2014-06-01. Review status: no assertion criteria provided. Collection method: literature only. Allele origin: somatic.

Institute of Human Genetics Munich, TUM University Hospital
Classification: Pathogenic for Pigmented nodular adrenocortical disease, primary, 4. Last evaluated: 2014-03-13. Review status: no assertion criteria provided. Collection method: research. Allele origin: somatic. Affected: yes. Observed: 21 variant alleles.

Richard Lifton Laboratory, Yale University School of Medicine
Classification: Likely pathogenic. Review status: no assertion criteria provided. Collection method: not provided. Allele origin: somatic.
Comment: PRKACA:p.L206R
ClinVar note: Converted during submission from probable-pathogenic to Likely pathogenic.

Literature cited by the submitters: PubMed 24855271 (cited by Institute for Genomic Medicine (IGM) Clinical Laboratory, Nationwide Children's Hospital and OMIM); PubMed 24700472 (cited by Institute for Genomic Medicine (IGM) Clinical Laboratory, Nationwide Children's Hospital and OMIM); PubMed 24747643 (cited by Institute for Genomic Medicine (IGM) Clinical Laboratory, Nationwide Children's Hospital and OMIM); PubMed 24571724 (cited by 3 submitters); PubMed 27165862 (cited by Institute for Genomic Medicine (IGM) Clinical Laboratory, Nationwide Children's Hospital); PubMed 25069672 (cited by Institute for Genomic Medicine (IGM) Clinical Laboratory, Nationwide Children's Hospital).